The following is an entry in ClinVar:

NM_025179.4(PLXNA2):c.963A>C (p.Ser321=)

Gene: PLXNA2 (plexin A2; minus strand). Cytogenetic location: 1q32.2.
Variant type: single nucleotide variant.
Coding change: c.963A>C on transcript NM_025179.4 (MANE Select); coding-DNA position 963, A replaced by C.
Protein change: p.Ser321=; no amino-acid change (serine 321 retained).
Molecular consequence: synonymous variant.
Genome position (GRCh38, 1-based): chr1:208,216,960, T>G on the plus strand (A>C on the coding strand, the complement: PLXNA2 is on the minus strand). VCF-style: chr1-208216960-T-G. GRCh37 (hg19) VCF-style: chr1-208390305-T-G.
Other names: c.963A>C (NM_025179.3).
Identifiers: ClinVar variation 1576572 (VCV001576572.9), dbSNP rs960743429, ClinGen allele CA36725654.

ClinVar aggregate classification (germline): Likely benign. Review status: criteria provided, multiple submitters, no conflicts (2 of 4 stars). 2 submissions from 2 submitters: Likely benign (2). Last evaluated 2026-08-06.

Conditions:
PLXNA2-related disorder. Also called: PLXNA2-related condition.

Allele frequency attached by ClinVar (database versions not stated): gnomAD exomes below 0.00001 and 0.00002; gnomAD 0.00001; TOPMed 0.00001.
gnomAD v4.1: 33 of 1,613,796 alleles (0.002%); highest among the groups gnomAD compares: Non-Finnish European, 0.0028%; no homozygotes.

Submissions (2):

PreventionGenetics, part of Exact Sciences
Classification: Likely benign for PLXNA2-related condition. Last evaluated: 2026-08-06. Review status: criteria provided, single submitter. Criteria: ACMG Guidelines, 2015. Collection method: clinical testing. Allele origin: germline.
Comment: This variant is classified as likely benign based on ACMG/AMP sequence variant interpretation guidelines (Richards et al. 2015 PMID: 25741868, with internal and published modifications).

Labcorp Genetics (formerly Invitae), Labcorp
Classification: Likely benign. Last evaluated: 2021-02-15. Review status: criteria provided, single submitter. Criteria: Invitae Variant Classification Sherloc (09022015). Collection method: clinical testing. Allele origin: germline.